The following is an entry in ClinVar:

NM_001365951.3(KIF1B):c.3179A>T (p.Glu1060Val)

Gene: KIF1B (kinesin family member 1B; plus strand). Cytogenetic location: 1p36.22.
Variant type: single nucleotide variant.
Coding change: c.3179A>T on transcript NM_001365951.3 (MANE Select); coding-DNA position 3179, A replaced by T.
Protein change: p.Glu1060Val; replaces glutamic acid 1060 with valine.
Molecular consequence: missense variant.
Genome position (GRCh38, 1-based): chr1:10,337,123, A>T. VCF-style: chr1-10337123-A-T. GRCh37 (hg19) VCF-style: chr1-10397181-A-T.
Other names: c.3179A>T, p.Glu1060Val (NM_001365952.1); c.3041A>T, p.Glu1014Val (NM_015074.3); short protein forms E1014V, E1060V.
Identifiers: ClinVar variation 4092393 (VCV004092393.1).

ClinVar aggregate classification (germline): Uncertain significance (1 of 4 stars; one submission).

Submission:

Ambry Genetics
Classification: Uncertain significance. Last evaluated: 2025-08-31. Review status: criteria provided, single submitter. Criteria: Ambry Variant Classification Scheme 2023. Collection method: clinical testing. Allele origin: germline.
Comment: The p.E1014V variant (also known as c.3041A>T), located in coding exon 27 of the KIF1B gene, results from an A to T substitution at nucleotide position 3041. The glutamic acid at codon 1014 is replaced by valine, an amino acid with dissimilar properties. This amino acid position is conserved. In addition, this alteration is predicted to be deleterious by in silico analysis. Based on the available evidence, the clinical significance of this variant remains unclear.